The following is an entry in ClinVar:

ClinVar aggregate classification (germline): Uncertain significance (1 of 4 stars; one submission).

Conditions:
Brain malformations with or without urinary tract defects. Also called: Brain malformations and urinary tract defects. Identifiers: MedGen C4478940, MONDO:0100478, OMIM 613735.

Submission:

Broad Center for Mendelian Genomics, Broad Institute of MIT and Harvard
Classification: Uncertain significance for Brain malformations with or without urinary tract defects. Last evaluated: 2023-01-25. Review status: criteria provided, single submitter. Criteria: ACMG Guidelines, 2015. Collection method: curation. Allele origin: germline. Inheritance: Autosomal dominant inheritance.
Comment: The p.Gln423Ter variant in NFIA has not been previously reported in individuals with brain malformations with or without urinary tract defects. This variant was absent from large population studies. This nonsense variant leads to a premature termination codon at position 423, which is predicted to lead to a truncated or absent protein. Heterozygous loss of function of the NFIA gene is strongly associated to autosomal dominant brain malformations with or without urinary tract defects. In summary, while there is some suspicion for a pathogenic role, the clinical significance of this variant is uncertain. ACMG/AMP Criteria applied: PVS1_Strong, PM2_Supporting (Richards 2015).

NM_001134673.4(NFIA):c.1132C>T (p.Gln378Ter)

Gene: NFIA (nuclear factor I A; plus strand). Cytogenetic location: 1p31.3.
Variant type: single nucleotide variant.
Coding change: c.1132C>T on transcript NM_001134673.4 (MANE Select); coding-DNA position 1132, C replaced by T.
Protein change: p.Gln378Ter; replaces glutamine 378 with a stop codon.
Molecular consequence: nonsense.
Genome position (GRCh38, 1-based): chr1:61,404,160, C>T. VCF-style: chr1-61404160-C-T. GRCh37 (hg19) VCF-style: chr1-61869832-C-T.
Other names: NM_005595.5:c.1132C>T; c.1108C>T, p.Gln370Ter (NM_001145511.2); c.1267C>T, p.Gln423Ter (NM_001145512.2); c.1132C>T, p.Gln378Ter (NM_005595.5); short protein forms Q378*, Q423*, Q370*.
Identifiers: ClinVar variation 2412705 (VCV002412705.1), dbSNP rs2525304135, ClinGen allele CA340589121.